The following is an entry in ClinVar:

NM_152703.5(SAMD9L):c.4446G>C (p.Lys1482Asn)

Gene: SAMD9L (sterile alpha motif domain containing 9 like; minus strand). Cytogenetic location: 7q21.2.
Variant type: single nucleotide variant.
Coding change: c.4446G>C on transcript NM_152703.5 (MANE Select); coding-DNA position 4446, G replaced by C.
Protein change: p.Lys1482Asn; replaces lysine 1482 with asparagine.
Molecular consequence: missense variant.
Genome position (GRCh38, 1-based): chr7:93,131,526, C>G on the plus strand (G>C on the coding strand, the complement: SAMD9L is on the minus strand). VCF-style: chr7-93131526-C-G. GRCh37 (hg19) VCF-style: chr7-92760839-C-G.
Other names: c.4446G>C, p.Lys1482Asn (NM_001303496.3, NM_001303497.3, NM_001303498.3 and 5 more transcripts); short protein forms K1482N.
Identifiers: ClinVar variation 5028960 (VCV005028960.1).
Genomic context (GRCh38, chr7:93,131,526, plus strand): 5'-ATTTTGTGCTTTATCAAAGTACTGCTCTATTTTGGCCTTGTGAACAATACTGTTTAGACC[C>G]TTCCTTTTGCCCAGATAGAAAAGTGTGCTTGCCTGCTTGGACCTGCACATGCGCTTGTAC-3'
Protein context (NP_689916.2, residues 1472-1492): ASTLFYLGKR[Lys1482Asn]GLNSIVHKAK

ClinVar aggregate classification (germline): Uncertain significance (1 of 4 stars; one submission).

Conditions:
Inborn genetic diseases. Identifiers: MedGen C0950123, MeSH D030342.

Submission:

Ambry Genetics
Classification: Uncertain significance for Inborn genetic diseases. Last evaluated: 2026-08-22. Review status: criteria provided, single submitter. Criteria: Ambry Variant Classification Scheme 2023. Collection method: clinical testing. Allele origin: germline.
Comment: The p.K1482N variant (also known as c.4446G>C), located in coding exon 1 of the SAMD9L gene, results from a G to C substitution at nucleotide position 4446. The lysine at codon 1482 is replaced by asparagine, an amino acid with similar properties. This amino acid position is conserved. In addition, this alteration is predicted to be tolerated by in silico analysis. Based on the available evidence, the clinical significance of this variant remains unclear.